The following is an entry in ClinVar:

ClinVar aggregate classification (germline): Uncertain significance (1 of 4 stars; one submission).

Conditions:
Hereditary pheochromocytoma and paraganglioma. Also called: Hereditary pheochromocytoma-paraganglioma; Hereditary paragangliomas and pheochromocytomas; Hereditary Paraganglioma-Pheochromocytoma Syndromes. Identifiers: Orphanet 29072, MedGen C4274332, MONDO:0017366.

Submission:

Labcorp Genetics (formerly Invitae), Labcorp
Classification: Uncertain significance for Hereditary pheochromocytoma and paraganglioma. Last evaluated: 2025-01-27. Review status: criteria provided, single submitter. Criteria: Invitae Variant Classification Sherloc (09022015). Collection method: clinical testing. Allele origin: germline.
Comment: This sequence change replaces lysine, which is basic and polar, with arginine, which is basic and polar, at codon 149 of the SDHAF2 protein (p.Lys149Arg). This variant is not present in population databases (gnomAD no frequency). This variant has not been reported in the literature in individuals affected with SDHAF2-related conditions. ClinVar contains an entry for this variant (Variation ID: 856203). An algorithm developed to predict the effect of missense changes on protein structure and function outputs the following: PolyPhen-2: "Benign". The arginine amino acid residue is found in multiple mammalian species, which suggests that this missense change does not adversely affect protein function. In summary, the available evidence is currently insufficient to determine the role of this variant in disease. Therefore, it has been classified as a Variant of Uncertain Significance.

NM_017841.4(SDHAF2):c.446A>G (p.Lys149Arg)

Gene: SDHAF2 (succinate dehydrogenase complex assembly factor 2; plus strand). Cytogenetic location: 11q12.2.
Variant type: single nucleotide variant.
Coding change: c.446A>G on transcript NM_017841.4 (MANE Select); coding-DNA position 446, A replaced by G.
Protein change: p.Lys149Arg; replaces lysine 149 with arginine.
Molecular consequence: missense variant.
Genome position (GRCh38, 1-based): chr11:61,446,016, A>G. VCF-style: chr11-61446016-A-G. GRCh37 (hg19) VCF-style: chr11-61213488-A-G.
Other names: short protein forms K149R.
Identifiers: ClinVar variation 856203 (VCV000856203.9), dbSNP rs1862132865, ClinGen allele CA380685415.